The following is an entry in ClinVar:

NM_015103.3(PLXND1):c.2263A>G (p.Thr755Ala)

Gene: PLXND1 (plexin D1; minus strand). Cytogenetic location: 3q22.1.
Variant type: single nucleotide variant.
Coding change: c.2263A>G on transcript NM_015103.3 (MANE Select); coding-DNA position 2263, A replaced by G.
Protein change: p.Thr755Ala; replaces threonine 755 with alanine.
Molecular consequence: missense variant.
Genome position (GRCh38, 1-based): chr3:129,578,412, T>C on the plus strand (A>G on the coding strand, the complement: PLXND1 is on the minus strand). VCF-style: chr3-129578412-T-C. GRCh37 (hg19) VCF-style: chr3-129297255-T-C.
Other names: short protein forms T755A.
Identifiers: ClinVar variation 773447 (VCV000773447.31), dbSNP rs112755880, ClinGen allele CA2609096.

ClinVar aggregate classification (germline): Benign/Likely benign. Review status: criteria provided, multiple submitters, no conflicts (2 of 4 stars). 6 submissions from 6 submitters: Benign (1); Likely benign (4). 1 of the submissions does not count toward it. Last evaluated 2026-09-01.

Conditions:
Congenital heart defects, multiple types, 9 (CHTD9). Identifiers: MedGen C5830367, MONDO:0859532, OMIM 620294.
PLXND1-related disorder. Also called: PLXND1-related condition.

Allele frequency attached by ClinVar (database versions not stated): TOPMed 0.00244; ESP Exome Variant Server 0.00269; gnomAD 0.00278 and 0.00296; gnomAD exomes 0.00335 and 0.00419; ExAC 0.00532.

Submissions (6):

CeGaT Center for Human Genetics Tuebingen
Classification: Likely benign. Last evaluated: 2026-09-01. Review status: criteria provided, single submitter. Criteria: CeGaT Center For Human Genetics Tuebingen Variant Classification Criteria Version 2. Collection method: clinical testing. Allele origin: germline. Affected: yes. Observed: 4 variant alleles.
Comment: PLXND1: BP4, BS2

Blueprint Genetics
Classification: Likely benign. Last evaluated: 2024-10-16. Review status: criteria provided, single submitter. Criteria: ACMG Guidelines, 2015. Collection method: clinical testing. Allele origin: germline.

Genomic Medicine Center of Excellence, King Faisal Specialist Hospital and Research Centre
Classification: Benign for Congenital heart defects, multiple types, 9. Last evaluated: 2024-03-29. Review status: criteria provided, single submitter. Criteria: ACMG Guidelines, 2015. Collection method: clinical testing. Allele origin: germline.

Labcorp Genetics (formerly Invitae), Labcorp
Classification: Likely benign. Last evaluated: 2019-12-31. Review status: criteria provided, single submitter. Criteria: Invitae Variant Classification Sherloc (09022015). Collection method: clinical testing. Allele origin: germline.

Breakthrough Genomics
Classification: Likely benign. Review status: criteria provided, single submitter. Criteria: ACMG Guidelines, 2015. Collection method: not provided. Allele origin: germline. Inheritance: Unknown mechanism. Affected: yes.

PreventionGenetics, part of Exact Sciences
Classification: Likely benign for PLXND1-related condition. Last evaluated: 2019-07-23. Review status: no assertion criteria provided. Collection method: clinical testing. Allele origin: germline. Not counted in ClinVar's aggregate classification.
Comment: This variant is classified as likely benign based on ACMG/AMP sequence variant interpretation guidelines (Richards et al. 2015 PMID: 25741868, with internal and published modifications).